The following is an entry in ClinVar:

NM_000179.3(MSH6):c.3647-60_3647-12dup

Gene: MSH6 (mutS homolog 6; plus strand). Cytogenetic location: 2p16.3.
Variant type: Duplication.
Coding change: c.3647-60_3647-12dup on transcript NM_000179.3 (MANE Select); 60 bases into the intron before coding-DNA position 3647 through 12 bases into the intron before coding-DNA position 3647, 49 bases duplicated.
Molecular consequence: intron variant.
Genome position (GRCh38, 1-based): chr2:47,806,144-47,806,192, 49 bases duplicated; duplicating any 49 consecutive bases within chr2:47,806,141-47,806,192 gives the same sequence; the c. name uses the placement nearest the transcript's 3' end. GRCh37 (hg19): chr2:48,033,283-48,033,331.
Other names: c.3647-60_3647-12dup (NM_001406809.1, NM_001406796.1, NM_001406808.1 and 1 more transcripts); c.2741-60_2741-12dup (NM_001406811.1, NM_001406814.1, NM_001281493.2 and 6 more transcripts); c.3350-60_3350-12dup (NM_001406805.1, NM_001406797.1, NM_001406801.1 and 10 more transcripts); c.3743-60_3743-12dup (NM_001406795.1, NM_001406802.1); c.3653-60_3653-12dup (NM_001406813.1); c.3122-60_3122-12dup (NM_001406807.1, NM_001406799.1, NM_001406806.1); c.3473-60_3473-12dup (NM_001406798.1); c.2783-60_2783-12dup (NM_001406803.1); and 7 more.
Identifiers: ClinVar variation 3904017 (VCV003904017.1).
Genomic context (GRCh38, chr2:47,806,140, plus strand): 5'-TAGAATGCTTTTAGACGTGGATGTACTAACCGATGTTGCTTTTCTGTCCTAGCATTTTTG[T>TTTTAATTCCTTTTTTGTTTTAATTCCTTTGAGTTACTTCCTTATGCATA]TTTAATTCCTTTTTTGTTTTAATTCCTTTGAGTTACTTCCTTATGCATATTTTACTTTAA-3'

ClinVar aggregate classification (germline): Benign (1 of 4 stars; one submission).

Conditions:
Lynch syndrome 5 (LYNCH5). Also called: Colorectal cancer, hereditary nonpolyposis, type 5; Hereditary non-polyposis colorectal cancer, type 5. Identifiers: Orphanet 144, MedGen C1833477, MONDO:0013710, OMIM 614350. Disease mechanism: loss of function.

Submission:

Myriad Genetics, Inc.
Classification: Benign for Lynch syndrome 5. Last evaluated: 2025-01-07. Review status: criteria provided, single submitter. Criteria: Myriad Autosomal Dominant, Autosomal Recessive and X-Linked Classification Criteria (2023). Collection method: clinical testing. Allele origin: unknown.
Comment: This variant is considered benign. This variant is intronic and is not expected to impact mRNA splicing.